The following is an entry in ClinVar:

ClinVar aggregate classification (germline): Pathogenic (1 of 4 stars; one submission).

Submission:

Labcorp Genetics (formerly Invitae), Labcorp
Classification: Pathogenic. Last evaluated: 2022-11-01. Review status: criteria provided, single submitter. Criteria: Invitae Variant Classification Sherloc (09022015). Collection method: clinical testing. Allele origin: germline.
Comment: For these reasons, this variant has been classified as Pathogenic. This variant disrupts the p.Pro17 amino acid residue in DSPP. Other variant(s) that disrupt this residue have been determined to be pathogenic (PMID: 17686168, 18521831). This suggests that this residue is clinically significant, and that variants that disrupt this residue are likely to be disease-causing. Algorithms developed to predict the effect of missense changes on protein structure and function (SIFT, PolyPhen-2, Align-GVGD) all suggest that this variant is likely to be disruptive. This missense change has been observed in individuals with dentinogenesis imperfecta (PMID: 22243242, 22310900). It has also been observed to segregate with disease in related individuals. This variant is not present in population databases (gnomAD no frequency). This sequence change replaces proline, which is neutral and non-polar, with leucine, which is neutral and non-polar, at codon 17 of the DSPP protein (p.Pro17Leu).

Literature cited by the submitters: PubMed 17686168; PubMed 18521831; PubMed 22243242; PubMed 22310900.

NM_014208.3(DSPP):c.50C>T (p.Pro17Leu)

Genes: DMP1-AS1 (DMP1 and DSPP antisense RNA 1; minus strand), DSPP (dentin sialophosphoprotein; plus strand). Cytogenetic location: 4q22.1.
Variant type: single nucleotide variant.
Coding change: c.50C>T on transcript NM_014208.3 (MANE Select); coding-DNA position 50, C replaced by T.
Protein change: p.Pro17Leu; replaces proline 17 with leucine.
Molecular consequence: missense variant.
Genome position (GRCh38, 1-based): chr4:87,610,958, C>T. VCF-style: chr4-87610958-C-T. GRCh37 (hg19) VCF-style: chr4-88532110-C-T.
Other names: short protein forms P17L.
Identifiers: ClinVar variation 2734658 (VCV002734658.3), dbSNP rs2475879245, ClinGen allele CA357601922.